The following is an entry in ClinVar:

NM_001611.5(ACP5):c.860A>C (p.Asp287Ala)

Gene: ACP5 (acid phosphatase 5, tartrate resistant; minus strand). Cytogenetic location: 19p13.2.
Variant type: single nucleotide variant.
Coding change: c.860A>C on transcript NM_001611.5 (MANE Select); coding-DNA position 860, A replaced by C.
Protein change: p.Asp287Ala; replaces aspartic acid 287 with alanine.
Molecular consequence: missense variant.
Genome position (GRCh38, 1-based): chr19:11,575,128, T>G on the plus strand (A>C on the coding strand, the complement: ACP5 is on the minus strand). VCF-style: chr19-11575128-T-G. GRCh37 (hg19) VCF-style: chr19-11685943-T-G.
Other names: c.860A>C, p.Asp287Ala (NM_001111034.3, NM_001111035.3, NM_001111036.3 and 1 more transcripts); short protein forms D287A.
Identifiers: ClinVar variation 784607 (VCV000784607.13), dbSNP rs62638748, ClinGen allele CA9215302.

ClinVar aggregate classification (germline): Likely benign. Review status: criteria provided, single submitter (1 of 4 stars). 2 submissions from 2 submitters: Likely benign (1). 1 of the submissions does not count toward it. Last evaluated 2026-01-05.

Conditions:
Spondyloenchondrodysplasia with immune dysregulation (SPENCDI). Also called: ROIFMAN IMMUNOSKELETAL SYNDROME; COMBINED IMMUNODEFICIENCY WITH AUTOIMMUNITY AND SPONDYLOMETAPHYSEAL DYSPLASIA; SPONDYLOENCHONDRODYSPLASIA WITH OR WITHOUT IMMUNE DYSREGULATION. Identifiers: Orphanet 1855, MedGen C1842763, MONDO:0011939, OMIM 607944.
ACP5-related disorder. Also called: ACP5-related condition.

Allele frequency attached by ClinVar (database versions not stated): gnomAD exomes 0.00019 and 0.00042; ExAC 0.00050; 1000 Genomes Project 0.00120; 1000 Genomes Project 30x 0.00156; gnomAD 0.00160 and 0.00170; TOPMed 0.00199; ESP Exome Variant Server 0.00231.
gnomAD v4.1: 524 of 1,614,124 alleles (0.032%); highest among the groups gnomAD compares: African/African-American, 0.61%; 2 homozygotes.

Submissions (2):

Labcorp Genetics (formerly Invitae), Labcorp
Classification: Likely benign for Spondyloenchondrodysplasia with immune dysregulation. Last evaluated: 2026-01-05. Review status: criteria provided, single submitter. Criteria: Invitae Variant Classification Sherloc (09022015). Collection method: clinical testing. Allele origin: germline.

PreventionGenetics, part of Exact Sciences
Classification: Likely benign for ACP5-related condition. Last evaluated: 2020-05-11. Review status: no assertion criteria provided. Collection method: clinical testing. Allele origin: germline. Not counted in ClinVar's aggregate classification.
Comment: This variant is classified as likely benign based on ACMG/AMP sequence variant interpretation guidelines (Richards et al. 2015 PMID: 25741868, with internal and published modifications).